The following is an entry in ClinVar:

NM_003119.4(SPG7):c.1931C>A (p.Thr644Asn)

Gene: SPG7 (SPG7 matrix AAA peptidase subunit, paraplegin; plus strand). Cytogenetic location: 16q24.3.
Variant type: single nucleotide variant.
Coding change: c.1931C>A on transcript NM_003119.4 (MANE Select); coding-DNA position 1931, C replaced by A.
Protein change: p.Thr644Asn; replaces threonine 644 with asparagine.
Molecular consequence: missense variant.
Genome position (GRCh38, 1-based): chr16:89,553,130, C>A. VCF-style: chr16-89553130-C-A. GRCh37 (hg19) VCF-style: chr16-89619538-C-A.
Other names: c.1931C>A, p.Thr644Asn (NM_001363850.1); short protein forms T644N.
Identifiers: ClinVar variation 2637776 (VCV002637776.1), dbSNP rs758702550, ClinGen allele CA8244449.

ClinVar aggregate classification (germline): Uncertain significance (1 of 4 stars; one submission).

Allele frequency attached by ClinVar (database versions not stated): ExAC 0.00003.
gnomAD v4.1: 4 of 1,607,382 alleles (0.00025%); highest among the groups gnomAD compares: Admixed American, 0.0068%; no homozygotes.

Submission:

Women's Health and Genetics/Laboratory Corporation of America, LabCorp
Classification: Uncertain significance. Last evaluated: 2023-10-17. Review status: criteria provided, single submitter. Criteria: LabCorp Variant Classification Summary - May 2015. Collection method: clinical testing. Allele origin: germline.
Comment: Variant summary: SPG7 c.1931C>A (p.Thr644Asn) results in a non-conservative amino acid change located in the Peptidase M41 domain (IPR000642) of the encoded protein sequence. Four of four in-silico tools predict a damaging effect of the variant on protein function. The variant allele was found at a frequency of 1.7e-05 in 234080 control chromosomes (gnomAD). The available data on variant occurrences in the general population are insufficient to allow any conclusion about variant significance. c.1931C>A has been reported in the literature in at-least one individual affected with Hereditary Spastic Paraplegia 7 (example: Lupo_2020). These data do not allow any conclusion about variant significance. To our knowledge, no experimental evidence demonstrating an impact on protein function has been reported. The following publication has been ascertained in the context of this evaluation (PMID: 32161564). No submitters have cited clinical-significance assessments for this variant to ClinVar after 2014. Based on the evidence outlined above, the variant was classified as uncertain significance.

Literature cited by the submitters: PubMed 32161564.